The following is an entry in ClinVar:

NM_000218.3(KCNQ1):c.941_985del (p.Gly314_Ile328del)

Gene: KCNQ1 (potassium voltage-gated channel subfamily Q member 1; plus strand). Cytogenetic location: 11p15.5.
Variant type: Deletion.
Coding change: c.941_985del on transcript NM_000218.3 (MANE Select); coding-DNA positions 941 to 985, 45 bases deleted.
Protein change: p.Gly314_Ile328del.
Genome position (GRCh38, 1-based): chr11:2,583,454-2,583,498, 45 bases deleted; deleting any 45 consecutive bases within chr11:2,583,447-2,583,498 gives the same sequence; the c. name uses the placement nearest the transcript's 3' end. GRCh37 (hg19): chr11:2,604,684-2,604,728.
Other names: c.941_985del, p.Gly314_Ile328del (NM_001406836.1); c.671_715del, p.Gly224_Ile238del (NM_001406837.1); c.497_541del, p.Gly166_Ile180del (NM_001406838.1); c.560_604del, p.Gly187_Ile201del (NM_181798.2).
Identifiers: ClinVar variation 3769591 (VCV003769591.1).

ClinVar aggregate classification (germline): Likely pathogenic (1 of 4 stars; one submission).

Conditions:
Long QT syndrome (LQTS). Identifiers: MedGen C0023976, MeSH D008133, MONDO:0002442. Disease mechanism: loss of function. Inheritance: Various modes of inheritance.

Submission:

Clinical Genetics Laboratory, Skane University Hospital Lund
Classification: Likely pathogenic for Long QT syndrome. Last evaluated: 2024-09-17. Review status: criteria provided, single submitter. Criteria: ACMG Guidelines, 2015. Collection method: clinical testing. Allele origin: germline. Affected: yes.
Comment: ACMG criteria used: PM1, PM2, PM4